The following is an entry in ClinVar:

NM_001242896.3(DEPDC5):c.789_790del (p.Glu265fs)

Gene: DEPDC5 (DEP domain containing 5, GATOR1 subcomplex subunit; plus strand). Cytogenetic location: 22q12.2.
Variant type: Deletion.
Coding change: c.789_790del on transcript NM_001242896.3 (MANE Select); coding-DNA positions 789 to 790, 2 bases deleted (AA; older notation c.789_790delAA).
Protein change: p.Glu265fs; shifts the reading frame from glutamic acid 265.
Molecular consequence: frameshift variant. On other transcripts: non-coding transcript variant (5).
Genome position (GRCh38, 1-based): chr22:31,797,621-31,797,622, AA deleted. VCF-style (leftmost placement, unchanged base first): chr22-31797620-GAA-G. GRCh37 (hg19) VCF-style: chr22-32193606-GAA-G.
Other names: c.789_790del, p.Glu265fs (NM_001007188.4, NM_001136029.4, NM_001242897.2 and 7 more transcripts); c.705_706del, p.Glu237fs (NM_001369901.1, NM_001369902.1); short protein forms E237fs, E265fs.
Identifiers: ClinVar variation 4796577 (VCV004796577.1).

ClinVar aggregate classification (germline): Likely pathogenic (1 of 4 stars; one submission).

Conditions:
Epilepsy, familial focal, with variable foci 1 (FFEVF1). Also called: DEPDC5-Related Epilepsy. Identifiers: MedGen C4551983, MONDO:0024556, OMIM 604364.

Submission:

Juno Genomics, Hangzhou Juno Genomics, Inc
Classification: Likely pathogenic for Epilepsy, familial focal, with variable foci 1. Review status: criteria provided, single submitter. Criteria: ACMG Guidelines, 2015. Collection method: clinical testing. Allele origin: germline. Affected: yes.
Comment: Absent from controls (or at extremely low frequency if recessive) in Genome Aggregation Database, Exome Sequencing Project, 1000 Genomes Project, or Exome Aggregation Consortium.;Null variant in a gene where loss of function (LOF) is a known mechanism of disease.